The following is an entry in ClinVar:

ClinVar aggregate classification (germline): Uncertain significance (1 of 4 stars; one submission).

Conditions:
Cardiovascular phenotype. Identifiers: MedGen CN230736.

gnomAD v4.1: 10 of 1,614,080 alleles (0.00062%); highest among the groups gnomAD compares: Admixed American, 0.017%; no homozygotes.

Submission:

Ambry Genetics
Classification: Uncertain significance for Cardiovascular phenotype. Last evaluated: 2026-07-01. Review status: criteria provided, single submitter. Criteria: Ambry Variant Classification Scheme 2023. Collection method: clinical testing. Allele origin: germline.
Comment: The p.D3149V variant (also known as c.9446A>T), located in coding exon 26 of the APOB gene, results from an A to T substitution at nucleotide position 9446. The aspartic acid at codon 3149 is replaced by valine, an amino acid with highly dissimilar properties. This amino acid position is conserved. In addition, this alteration is predicted to be tolerated by in silico analysis. Based on the available evidence, the clinical significance of this variant remains unclear.

NM_000384.3(APOB):c.9446A>T (p.Asp3149Val)

Gene: APOB (apolipoprotein B; minus strand). Cytogenetic location: 2p24.1.
Variant type: single nucleotide variant.
Coding change: c.9446A>T on transcript NM_000384.3 (MANE Select); coding-DNA position 9446, A replaced by T.
Protein change: p.Asp3149Val; replaces aspartic acid 3149 with valine.
Molecular consequence: missense variant.
Genome position (GRCh38, 1-based): chr2:21,007,422, T>A on the plus strand (A>T on the coding strand, the complement: APOB is on the minus strand). VCF-style: chr2-21007422-T-A. GRCh37 (hg19) VCF-style: chr2-21230294-T-A.
Other names: short protein forms D3149V.
Identifiers: ClinVar variation 3885707 (VCV003885707.2).